The following is an entry in ClinVar:

ClinVar aggregate classification (germline): Conflicting classifications of pathogenicity. Review status: criteria provided, conflicting classifications (1 of 4 stars). 2 submissions from 2 submitters: Uncertain significance (1); Likely benign (1). Last evaluated 2025-04-15.

Conditions:
CFAP418-related disorder. Also called: CFAP418-related condition.

Allele frequency attached by ClinVar (database versions not stated): gnomAD exomes below 0.00001; ExAC 0.00001; gnomAD 0.00001.
gnomAD v4.1: 7 of 1,613,336 alleles (0.00043%); highest among the groups gnomAD compares: African/African-American, 0.0013%; no homozygotes.

Submissions (2):

PreventionGenetics, part of Exact Sciences
Classification: Uncertain significance for CFAP418-related condition. Last evaluated: 2025-04-15. Review status: criteria provided, single submitter. Criteria: ACMG Guidelines, 2015. Collection method: clinical testing. Allele origin: germline.
Comment: The CFAP418 c.155+10G>A variant is predicted to interfere with splicing. This variant is predicted to alter splicing based on available splicing prediction software (SpliceAI, Jaganathan et al. 2019. PubMed ID: 30661751). However, the use of computer prediction softwares is not equivalent to functional evidence. To our knowledge, this variant has not been reported in the literature. This variant is reported in 0.0040% of alleles in individuals of African descent in gnomAD. However, the use of computer prediction programs is not equivalent to functional evidence, and therefore the clinical significance of this variant is uncertain.

Labcorp Genetics (formerly Invitae), Labcorp
Classification: Likely benign. Last evaluated: 2024-11-11. Review status: criteria provided, single submitter. Criteria: Invitae Variant Classification Sherloc (09022015). Collection method: clinical testing. Allele origin: germline.

NM_177965.4(CFAP418):c.155+10G>A

Genes: CFAP418 (cilia and flagella associated protein 418; minus strand), CFAP418-AS1 (CFAP418 antisense RNA 1; plus strand), LOC130000784 (ATAC-STARR-seq lymphoblastoid active region 27655; plus strand). Cytogenetic location: 8q22.1.
Variant type: single nucleotide variant.
Coding change: c.155+10G>A on transcript NM_177965.4 (MANE Select); 10 bases into the intron after coding-DNA position 155, G replaced by A.
Molecular consequence: intron variant.
Genome position (GRCh38, 1-based): chr8:95,269,025, C>T on the plus strand (G>A on the coding strand, the complement: CFAP418 is on the minus strand). VCF-style: chr8-95269025-C-T. GRCh37 (hg19) VCF-style: chr8-96281253-C-T.
Other names: c.155+10G>A (NM_177965.3, NM_001363260.1).
Identifiers: ClinVar variation 1681145 (VCV001681145.9), dbSNP rs777650121, ClinGen allele CA4815251.
Genomic context (GRCh38, chr8:95,269,025, plus strand): 5'-GGCGGAGGGGCAGCTCTAGGGCCTGGAGCAGGGCTTTACCAGAACAGTCCACCCCTCCCG[C>T]CCGGTTAACCTGAGCGTCTCTTTCGCCTTGGCTTGGTTCCGGTCGCTACTGTGGGTGCCG-3'